The following is an entry in ClinVar:

NM_001079866.2(BCS1L):c.295C>G (p.Pro99Ala)

Gene: BCS1L (BCS1 ubiquinol-cytochrome c reductase complex chaperone; plus strand). Cytogenetic location: 2q35.
Variant type: single nucleotide variant.
Coding change: c.295C>G on transcript NM_001079866.2 (MANE Select); coding-DNA position 295, C replaced by G.
Protein change: p.Pro99Ala; replaces proline 99 with alanine.
Molecular consequence: missense variant. On other transcripts: 5 prime UTR variant (5), non-coding transcript variant (1), intron variant (3).
Genome position (GRCh38, 1-based): chr2:218,661,282, C>G. VCF-style: chr2-218661282-C-G. GRCh37 (hg19) VCF-style: chr2-219526005-C-G.
Other names: c.295C>G, p.Pro99Ala (NM_001371448.1, NM_001371449.1, NM_001371450.1 and 10 more transcripts); c.-182C>G (NM_001371453.1, NM_001371454.1, NM_001371455.1 and 2 more transcripts); c.-40-124C>G (NM_001371451.1, NM_001318836.2); c.-41-477C>G (NM_001371452.1); short protein forms P99A.
Identifiers: ClinVar variation 3480321 (VCV003480321.3).

ClinVar aggregate classification (germline): Conflicting classifications of pathogenicity. Review status: criteria provided, conflicting classifications (1 of 4 stars). 2 submissions from 2 submitters: Likely pathogenic (1); Uncertain significance (1). Last evaluated 2024-11-27.

Conditions:
Inborn genetic diseases. Identifiers: MedGen C0950123, MeSH D030342.

Submissions (2):

Labcorp Genetics (formerly Invitae), Labcorp
Classification: Likely pathogenic. Last evaluated: 2024-11-27. Review status: criteria provided, single submitter. Criteria: Invitae Variant Classification Sherloc (09022015). Collection method: clinical testing. Allele origin: germline.
Comment: This sequence change replaces proline, which is neutral and non-polar, with alanine, which is neutral and non-polar, at codon 99 of the BCS1L protein (p.Pro99Ala). This variant is not present in population databases (gnomAD no frequency). This variant has not been reported in the literature in individuals affected with BCS1L-related conditions. Invitae Evidence Modeling of protein sequence and biophysical properties (such as structural, functional, and spatial information, amino acid conservation, physicochemical variation, residue mobility, and thermodynamic stability) indicates that this missense variant is expected to disrupt BCS1L protein function with a positive predictive value of 95%. This variant disrupts the p.Pro99 amino acid residue in BCS1L. Other variant(s) that disrupt this residue have been determined to be pathogenic (PMID: 11528392, 17314340, 20518024, 24655110, 29090881). This suggests that this residue is clinically significant, and that variants that disrupt this residue are likely to be disease-causing. In summary, the currently available evidence indicates that the variant is pathogenic, but additional data are needed to prove that conclusively. Therefore, this variant has been classified as Likely Pathogenic.

Ambry Genetics
Classification: Uncertain significance for Inborn genetic diseases. Last evaluated: 2024-11-20. Review status: criteria provided, single submitter. Criteria: Ambry Variant Classification Scheme 2023. Collection method: clinical testing. Allele origin: germline.

Literature cited by the submitters: PubMed 11528392 (cited by Labcorp Genetics (formerly Invitae), Labcorp); PubMed 17314340 (cited by Labcorp Genetics (formerly Invitae), Labcorp); PubMed 20518024 (cited by Labcorp Genetics (formerly Invitae), Labcorp); PubMed 24655110 (cited by Labcorp Genetics (formerly Invitae), Labcorp); PubMed 29090881 (cited by Labcorp Genetics (formerly Invitae), Labcorp).